The following is an entry in ClinVar:

NM_000179.3(MSH6):c.3497G>A (p.Arg1166Lys)

Gene: MSH6 (mutS homolog 6; plus strand). Cytogenetic location: 2p16.3.
Variant type: single nucleotide variant.
Coding change: c.3497G>A on transcript NM_000179.3 (MANE Select); coding-DNA position 3497, G replaced by A.
Protein change: p.Arg1166Lys; replaces arginine 1166 with lysine.
Molecular consequence: missense variant. On other transcripts: non-coding transcript variant (4).
Genome position (GRCh38, 1-based): chr2:47,804,968, G>A. VCF-style: chr2-47804968-G-A. GRCh37 (hg19) VCF-style: chr2-48032107-G-A.
Other names: c.3107G>A, p.Arg1036Lys (NM_001281492.2); c.2591G>A, p.Arg864Lys (NM_001281493.2, NM_001281494.2, NM_001406811.1 and 6 more transcripts); c.3593G>A, p.Arg1198Lys (NM_001406795.1, NM_001406802.1); c.3497G>A, p.Arg1166Lys (NM_001406796.1, NM_001406800.1, NM_001406808.1 and 1 more transcripts); c.3200G>A, p.Arg1067Lys (NM_001406797.1, NM_001406801.1, NM_001406805.1 and 10 more transcripts); c.3323G>A, p.Arg1108Lys (NM_001406798.1); c.2972G>A, p.Arg991Lys (NM_001406799.1, NM_001406806.1, NM_001406807.1); c.2633G>A, p.Arg878Lys (NM_001406803.1); and 7 more; short protein forms R1110K, R1198K, R878K, R115K, R1168K, R991K, R1067K, R1140K.
Identifiers: ClinVar variation 4111232 (VCV004111232.1).

ClinVar aggregate classification (germline): Uncertain significance (1 of 4 stars; one submission).

Conditions:
Hereditary cancer-predisposing syndrome. Also called: Tumor predisposition; Neoplastic Syndromes, Hereditary; Hereditary neoplastic syndrome; Hereditary Cancer Syndrome. Identifiers: Orphanet 140162, MedGen C0027672, MeSH D009386, MONDO:0015356.

Submission:

Ambry Genetics
Classification: Uncertain significance for Hereditary cancer-predisposing syndrome. Last evaluated: 2025-08-23. Review status: criteria provided, single submitter. Criteria: Ambry Variant Classification Scheme 2023. Collection method: clinical testing. Allele origin: germline.
Comment: The p.R1166K variant (also known as c.3497G>A), located in coding exon 6 of the MSH6 gene, results from a G to A substitution at nucleotide position 3497. The arginine at codon 1166 is replaced by lysine, an amino acid with highly similar properties. This amino acid position is conserved. In addition, the in silico prediction for this alteration is inconclusive. Based on the available evidence, the clinical significance of this variant remains unclear.